The following is an entry in ClinVar:

ClinVar aggregate classification (germline): Pathogenic (1 of 4 stars; one submission).

Conditions:
MEGF10-related myopathy (CMYO10A). Also called: Congenital myopathy 10A, severe variant. Identifiers: Orphanet 439212, MedGen C3280679, MONDO:0013731, OMIM 614399.

Submission:

Labcorp Genetics (formerly Invitae), Labcorp
Classification: Pathogenic for MEGF10-related myopathy. Last evaluated: 2022-06-04. Review status: criteria provided, single submitter. Criteria: Invitae Variant Classification Sherloc (09022015). Collection method: clinical testing. Allele origin: germline.
Comment: This variant is not present in population databases (gnomAD no frequency). For these reasons, this variant has been classified as Pathogenic. This variant has not been reported in the literature in individuals affected with MEGF10-related conditions. This sequence change creates a premature translational stop signal (p.Ser888*) in the MEGF10 gene. It is expected to result in an absent or disrupted protein product. Loss-of-function variants in MEGF10 are known to be pathogenic (PMID: 22101682, 22371254, 23453856, 23954233).

Literature cited by the submitters: PubMed 22101682; PubMed 22371254; PubMed 23453856; PubMed 23954233.

NM_001256545.2(MEGF10):c.2663C>G (p.Ser888Ter)

Gene: MEGF10 (multiple EGF like domains 10; plus strand). Cytogenetic location: 5q23.2.
Variant type: single nucleotide variant.
Coding change: c.2663C>G on transcript NM_001256545.2 (MANE Select); coding-DNA position 2663, C replaced by G.
Protein change: p.Ser888Ter; replaces serine 888 with a stop codon.
Molecular consequence: nonsense.
Genome position (GRCh38, 1-based): chr5:127,445,628, C>G. VCF-style: chr5-127445628-C-G. GRCh37 (hg19) VCF-style: chr5-126781320-C-G.
Other names: c.2663C>G, p.Ser888Ter (NM_032446.3); short protein forms S888*.
Identifiers: ClinVar variation 2088364 (VCV002088364.4), dbSNP rs1765917272, ClinGen allele CA360734885.